The following is an entry in ClinVar:

ClinVar aggregate classification (germline): Uncertain significance (1 of 4 stars; one submission).

Conditions:
Hereditary cancer-predisposing syndrome. Also called: Neoplastic Syndromes, Hereditary; Tumor predisposition; Hereditary Cancer Syndrome; Hereditary neoplastic syndrome. Identifiers: Orphanet 140162, MedGen C0027672, MeSH D009386, MONDO:0015356.

Submission:

Ambry Genetics
Classification: Uncertain significance for Hereditary cancer-predisposing syndrome. Last evaluated: 2018-09-30. Review status: criteria provided, single submitter. Criteria: Ambry Variant Classification Scheme 2023. Collection method: clinical testing. Allele origin: germline.
Comment: The p.D575E variant (also known as c.1725T>A), located in coding exon 4 of the MSH6 gene, results from a T to A substitution at nucleotide position 1725. The aspartic acid at codon 575 is replaced by glutamic acid, an amino acid with highly similar properties. This amino acid position is highly conserved in available vertebrate species. In addition, this alteration is predicted to be deleterious by in silico analysis. Since supporting evidence is limited at this time, the clinical significance of this alteration remains unclear.

NM_000179.3(MSH6):c.1725T>A (p.Asp575Glu)

Gene: MSH6 (mutS homolog 6; plus strand). Cytogenetic location: 2p16.3.
Variant type: single nucleotide variant.
Coding change: c.1725T>A on transcript NM_000179.3 (MANE Select); coding-DNA position 1725, T replaced by A.
Protein change: p.Asp575Glu; replaces aspartic acid 575 with glutamic acid.
Molecular consequence: missense variant.
Genome position (GRCh38, 1-based): chr2:47,799,708, T>A. VCF-style: chr2-47799708-T-A. GRCh37 (hg19) VCF-style: chr2-48026847-T-A.
Other names: c.1335T>A, p.Asp445Glu (NM_001281492.2); c.819T>A, p.Asp273Glu (NM_001281493.2, NM_001281494.2); short protein forms D273E, D575E, D445E.
Identifiers: ClinVar variation 819941 (VCV000819941.4), dbSNP rs1572724166, ClinGen allele CA346748711.